The following is an entry in ClinVar:

ClinVar aggregate classification (germline): Conflicting classifications of pathogenicity. Review status: criteria provided, conflicting classifications (1 of 4 stars). 7 submissions from 7 submitters: Uncertain significance (5); Likely benign (1). 1 of the submissions does not count toward it. Last evaluated 2025-07-31.

Conditions:
BRCA1-related disorder. Also called: BRCA1-related condition.
Hereditary cancer-predisposing syndrome. Also called: Tumor predisposition; Hereditary Cancer Syndrome; Hereditary neoplastic syndrome; Neoplastic Syndromes, Hereditary. Identifiers: Orphanet 140162, MedGen C0027672, MeSH D009386, MONDO:0015356.
Hereditary breast ovarian cancer syndrome. Also called: Breast and ovarian cancer; Hereditary breast and ovarian cancer; Hereditary breast and/or ovarian cancer syndrome; BRCA1- and BRCA2-Associated Hereditary Breast and Ovarian Cancer; Hereditary breast and ovarian cancer syndrome (HBOC); Hereditary breast and ovarian cancer syndrome. Identifiers: Orphanet 145, MedGen C0677776, MeSH D061325, MONDO:0003582. Disease mechanism: loss of function.

Allele frequency attached by ClinVar (database versions not stated): gnomAD exomes below 0.00001.
gnomAD v4.1: 1 of 1,613,904 alleles (0.000062%); highest among the groups gnomAD compares: Middle Eastern, 0.017%; no homozygotes.

Submissions (7):

Ambry Genetics
Classification: Uncertain significance for Hereditary cancer-predisposing syndrome. Last evaluated: 2025-07-31. Review status: criteria provided, single submitter. Criteria: Ambry Variant Classification Scheme 2023. Collection method: clinical testing. Allele origin: germline.
Comment: The p.E540K variant (also known as c.1618G>A), located in coding exon 9 of the BRCA1 gene, results from a G to A substitution at nucleotide position 1618. The glutamic acid at codon 540 is replaced by lysine, an amino acid with similar properties. This amino acid position is not well conserved in available vertebrate species. In addition, the in silico prediction for this alteration is inconclusive. Since supporting evidence is limited at this time, the clinical significance of this alteration remains unclear.

Labcorp Genetics (formerly Invitae), Labcorp
Classification: Uncertain significance for Hereditary breast ovarian cancer syndrome. Last evaluated: 2024-08-28. Review status: criteria provided, single submitter. Criteria: Invitae Variant Classification Sherloc (09022015). Collection method: clinical testing. Allele origin: germline.
Comment: This sequence change replaces glutamic acid, which is acidic and polar, with lysine, which is basic and polar, at codon 540 of the BRCA1 protein (p.Glu540Lys). This variant is not present in population databases (gnomAD no frequency). This missense change has been observed in individual(s) with early onset breast cancer (PMID: 33067490). ClinVar contains an entry for this variant (Variation ID: 182133). Invitae Evidence Modeling of protein sequence and biophysical properties (such as structural, functional, and spatial information, amino acid conservation, physicochemical variation, residue mobility, and thermodynamic stability) indicates that this missense variant is not expected to disrupt BRCA1 protein function with a negative predictive value of 95%. In summary, the available evidence is currently insufficient to determine the role of this variant in disease. Therefore, it has been classified as a Variant of Uncertain Significance.

University of Washington Department of Laboratory Medicine, University of Washington
Classification: Likely benign for Hereditary cancer-predisposing syndrome. Last evaluated: 2023-03-23. Review status: criteria provided, single submitter. Criteria: Dines et al. (Genet Med. 2020). Collection method: curation. Allele origin: germline.
Comment: Missense variant in a coldspot region where missense variants are very unlikely to be pathogenic (PMID:31911673).

BRCA1 coldspot (exon 11 using historical exon numbering). Reclassification based on statistical prior probability

Color Diagnostics, LLC DBA Color Health
Classification: Uncertain significance for Hereditary cancer-predisposing syndrome. Last evaluated: 2020-11-24. Review status: criteria provided, single submitter. Criteria: ACMG Guidelines, 2015. Collection method: clinical testing. Allele origin: germline.
Comment: This missense variant replaces glutamic acid with lysine at codon 540 of the BRCA1 protein. Computational prediction is inconclusive regarding the impact of this variant on protein structure and function (internally defined REVEL score threshold 0.5 < inconclusive < 0.7, PMID: 27666373). To our knowledge, functional studies have not been reported for this variant. This variant has not been reported in individuals affected with hereditary cancer in the literature. This variant has not been identified in the general population by the Genome Aggregation Database (gnomAD). The available evidence is insufficient to determine the role of this variant in disease conclusively. Therefore, this variant is classified as a Variant of Uncertain Significance.

Women's Health and Genetics/Laboratory Corporation of America, LabCorp
Classification: Uncertain significance. Last evaluated: 2020-07-30. Review status: criteria provided, single submitter. Criteria: LabCorp Variant Classification Summary - May 2015. Collection method: clinical testing. Allele origin: germline.
Comment: Variant summary: BRCA1 c.1618G>A (p.Glu540Lys) results in a conservative amino acid change in the encoded protein sequence. Four of five in-silico tools predict a benign effect of the variant on protein function. The variant was absent in 250866 control chromosomes. The available data on variant occurrences in the general population are insufficient to allow any conclusion about variant significance. To our knowledge, no occurrence of c.1618G>A in individuals affected with Hereditary Breast And Ovarian Cancer Syndrome and no experimental evidence demonstrating its impact on protein function have been reported. Two clinical diagnostic laboratories have submitted clinical-significance assessments for this variant to ClinVar after 2014 without evidence for independent evaluation. All laboratories classified the variant as uncertain significance. Based on the evidence outlined above, the variant was classified as uncertain significance.

GeneDx
Classification: Uncertain significance. Last evaluated: 2018-02-12. Review status: criteria provided, single submitter. Criteria: GeneDx Variant Classification (06012015). Collection method: clinical testing. Allele origin: germline. Affected: yes.
Comment: This variant is denoted BRCA1 c.1618G>A at the cDNA level, p.Glu540Lys (E540K) at the protein level, and results in the change of a Glutamic Acid to a Lysine (GAG>AAG). Using alternate nomenclature, this variant would be defined as BRCA1 1737G>A. This variant has not, to our knowledge, been published in the literature as pathogenic or benign. BRCA1 Glu540Lys was not observed in large population cohorts (Lek 2016). This variant is located in the DNA binding domain and in a region known to interact with multiple other proteins (Narod 2004, Paul 2014). In silico analysis, which includes protein predictors and evolutionary conservation, supports a deleterious effect. Based on currently available evidence, it is unclear whether BRCA1 Glu540Lys is a pathogenic or benign variant. We consider it to be a variant of uncertain significance.

PreventionGenetics, part of Exact Sciences
Classification: Uncertain significance for BRCA1-related condition. Last evaluated: 2024-05-10. Review status: no assertion criteria provided. Collection method: clinical testing. Allele origin: germline. Not counted in ClinVar's aggregate classification.
Comment: The BRCA1 c.1618G>A variant is predicted to result in the amino acid substitution p.Glu540Lys. This variant was reported in an individual with a history of breast and/or ovarian cancer and was classified as uncertain (Table S3, Patient E10, Abu-Helalah. et al. 2020. PubMed ID: 33067490). This variant has not been reported in a large population database, indicating this variant is rare. In ClinVar, this variant has conflicting interpretations ranging from uncertain to likely benign. At this time, the clinical significance of this variant is uncertain due to the absence of conclusive functional and genetic evidence.

Literature cited by the submitters: PubMed 33067490 (cited by Labcorp Genetics (formerly Invitae), Labcorp).

NM_007294.4(BRCA1):c.1618G>A (p.Glu540Lys)

Gene: BRCA1 (BRCA1 DNA repair associated; minus strand). Cytogenetic location: 17q21.31.
Variant type: single nucleotide variant.
Coding change: c.1618G>A on transcript NM_007294.4 (MANE Select); coding-DNA position 1618, G replaced by A.
Protein change: p.Glu540Lys; replaces glutamic acid 540 with lysine.
Molecular consequence: missense variant. On other transcripts: intron variant (137).
Genome position (GRCh38, 1-based): chr17:43,093,913, C>T on the plus strand (G>A on the coding strand, the complement: BRCA1 is on the minus strand). VCF-style: chr17-43093913-C-T. GRCh37 (hg19) VCF-style: chr17-41245930-C-T.
Other names: p.E540K:GAG>AAG; c.577+831G>A (NM_001408514.1, NM_001408485.1, NM_001408481.1 and 9 more transcripts); c.784+831G>A (NM_001408392.1, NM_001407986.1, NM_001407972.1 and 13 more transcripts); c.1477G>A, p.Glu493Lys (NM_001407727.1, NM_001407724.1, NM_001407726.1 and 29 more transcripts); c.661+831G>A (NM_001408447.1, NM_001408433.1, NM_001408446.1 and 6 more transcripts); c.1405G>A, p.Glu469Lys (NM_001407571.1, NM_001407853.1, NM_001407894.1 and 9 more transcripts); c.1618G>A, p.Glu540Lys (NM_001407581.1, NM_001407582.1, NM_001407583.1 and 30 more transcripts); c.1615G>A, p.Glu539Lys (NM_001407587.1, NM_001407590.1, NM_001407591.1 and 22 more transcripts); and 41 more; short protein forms E540K, E493K, E429K, E452K, E473K, E492K, E498K, E499K.
Identifiers: ClinVar variation 182133 (VCV000182133.17), dbSNP rs730881471, ClinGen allele CA001077.